The following is an entry in ClinVar:

ClinVar aggregate classification (germline): Conflicting classifications of pathogenicity. Review status: criteria provided, conflicting classifications (1 of 4 stars). 3 submissions from 3 submitters: Uncertain significance (1); Likely benign (2). Last evaluated 2026-03-01.

Conditions:
Inborn genetic diseases. Identifiers: MedGen C0950123, MeSH D030342.
Neurodevelopmental disorder with coarse facies and mild distal skeletal abnormalities. Also called: STOLERMAN NEURODEVELOPMENTAL SYNDROME. Identifiers: MedGen C5193134, MONDO:0032790, OMIM 618505.

Allele frequency attached by ClinVar (database versions not stated): 1000 Genomes Project 0.00020; TOPMed 0.00022; 1000 Genomes Project 30x 0.00031; ESP Exome Variant Server 0.00031.
gnomAD v4.1: 468 of 1,614,174 alleles (0.029%); highest among the groups gnomAD compares: Non-Finnish European, 0.036%; no homozygotes.

Submissions (3):

CeGaT Center for Human Genetics Tuebingen
Classification: Likely benign. Last evaluated: 2026-03-01. Review status: criteria provided, single submitter. Criteria: CeGaT Center For Human Genetics Tuebingen Variant Classification Criteria Version 2. Collection method: clinical testing. Allele origin: germline. Affected: yes. Observed: 1 variant allele.
Comment: KDM6B: BP4, BS2

Ambry Genetics
Classification: Likely benign for Inborn genetic diseases. Last evaluated: 2021-12-07. Review status: criteria provided, single submitter. Criteria: Ambry Variant Classification Scheme 2023. Collection method: clinical testing. Allele origin: germline.

Revvity Omics, Revvity
Classification: Uncertain significance for Neurodevelopmental disorder with coarse facies and mild distal skeletal abnormalities. Last evaluated: 2019-08-01. Review status: criteria provided, single submitter. Criteria: ACMG Guidelines, 2015. Collection method: clinical testing. Allele origin: germline.

NM_001348716.2(KDM6B):c.3940C>T (p.Pro1314Ser)

Genes: KDM6B (lysine demethylase 6B; plus strand), LOC121587574 (Sharpr-MPRA regulatory region 3930; plus strand). Cytogenetic location: 17p13.1.
Variant type: single nucleotide variant.
Coding change: c.3940C>T on transcript NM_001348716.2 (MANE Select); coding-DNA position 3940, C replaced by T.
Protein change: p.Pro1314Ser; replaces proline 1314 with serine.
Molecular consequence: missense variant.
Genome position (GRCh38, 1-based): chr17:7,851,390, C>T. VCF-style: chr17-7851390-C-T. GRCh37 (hg19) VCF-style: chr17-7754708-C-T.
Other names: c.3940C>T, p.Pro1314Ser (NM_001080424.2); short protein forms P1314S.
Identifiers: ClinVar variation 2232626 (VCV002232626.9), dbSNP rs140925165, ClinGen allele CA8361303.